The following is an entry in ClinVar:

NM_002582.4(PARN):c.1464C>T (p.Pro488=)

Gene: PARN (poly(A)-specific ribonuclease; minus strand). Cytogenetic location: 16p13.12.
Variant type: single nucleotide variant.
Coding change: c.1464C>T on transcript NM_002582.4 (MANE Select); coding-DNA position 1464, C replaced by T.
Protein change: p.Pro488=; no amino-acid change (proline 488 retained).
Molecular consequence: synonymous variant.
Genome position (GRCh38, 1-based): chr16:14,552,037, G>A on the plus strand (C>T on the coding strand, the complement: PARN is on the minus strand). VCF-style: chr16-14552037-G-A. GRCh37 (hg19) VCF-style: chr16-14645894-G-A.
Other names: c.1281C>T, p.Pro427= (NM_001134477.3); c.1326C>T, p.Pro442= (NM_001242992.2).
Identifiers: ClinVar variation 738490 (VCV000738490.41), dbSNP rs61748886, ClinGen allele CA7912014.

ClinVar aggregate classification (germline): Likely benign. Review status: criteria provided, multiple submitters, no conflicts (2 of 4 stars). 5 submissions from 5 submitters: Likely benign (4). 1 of the submissions does not count toward it. Last evaluated 2026-01-11.

Conditions:
PARN-related disorder. Also called: PARN-related condition; PARN-related disorders.
Pulmonary fibrosis and/or bone marrow failure, Telomere-related, 4. Also called: PULMONARY FIBROSIS AND/OR BONE MARROW FAILURE SYNDROME, TELOMERE-RELATED, 4. Identifiers: Orphanet 2032, MedGen C4225347, MONDO:0014612, OMIM 616371.
Dyskeratosis congenita, autosomal recessive 6 (DKCB6). Identifiers: MedGen C4225356, MONDO:0014600, OMIM 616353.

Allele frequency attached by ClinVar (database versions not stated): gnomAD exomes 0.00021; ExAC 0.00023; gnomAD 0.00046 and 0.00050; TOPMed 0.00058; ESP Exome Variant Server 0.00067.
gnomAD v4.1: 375 of 1,610,912 alleles (0.023%); highest among the groups gnomAD compares: African/African-American, 0.12%; no homozygotes.

Submissions (5):

Labcorp Genetics (formerly Invitae), Labcorp
Classification: Likely benign for Dyskeratosis congenita, autosomal recessive 6; Pulmonary fibrosis and/or bone marrow failure, Telomere-related, 4. Last evaluated: 2026-01-11. Review status: criteria provided, single submitter. Criteria: Invitae Variant Classification Sherloc (09022015). Collection method: clinical testing. Allele origin: germline.

Blueprint Genetics
Classification: Likely benign. Last evaluated: 2024-10-14. Review status: criteria provided, single submitter. Criteria: ACMG Guidelines, 2015. Collection method: clinical testing. Allele origin: germline.

CeGaT Center for Human Genetics Tuebingen
Classification: Likely benign. Last evaluated: 2022-03-01. Review status: criteria provided, single submitter. Criteria: CeGaT Center For Human Genetics Tuebingen Variant Classification Criteria Version 2. Collection method: clinical testing. Allele origin: germline. Affected: yes. Observed: 1 variant allele.
Comment: PARN: BP4, BP7

Genetic Services Laboratory, University of Chicago
Classification: Likely benign. Last evaluated: 2021-05-03. Review status: criteria provided, single submitter. Criteria: ACMG Guidelines, 2015. Collection method: clinical testing. Allele origin: germline. Affected: no.

PreventionGenetics, part of Exact Sciences
Classification: Likely benign for PARN-related condition. Last evaluated: 2019-05-17. Review status: no assertion criteria provided. Collection method: clinical testing. Allele origin: germline. Not counted in ClinVar's aggregate classification.
Comment: This variant is classified as likely benign based on ACMG/AMP sequence variant interpretation guidelines (Richards et al. 2015 PMID: 25741868, with internal and published modifications).